The following is an entry in ClinVar:

ClinVar aggregate classification (germline): Uncertain significance (1 of 4 stars; one submission).

Conditions:
Immunodeficiency 14 (IMD14A). Also called: Activated PI3K Delta Syndrome Type 1 (APDS1); p110-DELTA-ACTIVATING MUTATION CAUSING SENESCENT T CELLS, LYMPHADENOPATHY, AND IMMUNODEFICIENCY; IMMUNODEFICIENCY 14A WITH LYMPHOPROLIFERATION, AUTOSOMAL DOMINANT; ACTIVATED PI3K-DELTA SYNDROME 1. Identifiers: Orphanet 397596, Orphanet 693661, MedGen C5907821, MONDO:0014222, OMIM 615513.
Immunodeficiency 14b, autosomal recessive. Identifiers: MedGen C5543301, MONDO:0023655, OMIM 619281.

gnomAD v4.1: 1 of 1,558,462 alleles (0.000064%); highest among the groups gnomAD compares: African/African-American, 0.0014%; no homozygotes.

Submission:

Clinical Genomics Laboratory, Washington University in St. Louis
Classification: Uncertain significance for Immunodeficiency 14b, autosomal recessive; Immunodeficiency 14. Last evaluated: 2026-03-24. Review status: criteria provided, single submitter. Criteria: ACMG Guidelines, 2015. Collection method: clinical testing. Allele origin: germline.
Comment: A PIK3CD c.772C>A (p.Gln258Lys) variant was identified at a near heterozygous allelic fraction of 49.4%, a frequency which may be consistent with it being of germline origin. The PIK3CD c.772C>A (p.Gln258Lys) variant, to our knowledge, has not been reported in the medical literature. This variant is only observed in 1/1,558,462 alleles in the general population (gnomAD v4.1.0), indicating it is not a common variant. Computational predictors suggest that the variant does not impact PIK3CD function. Due to limited information, and based on ACMG/AMP guidelines for variant interpretation (Richards S et al., PMID: 25741868), the clinical significance of this variant is uncertain at this time.

Literature cited by the submitters: uncertain.

NM_005026.5(PIK3CD):c.772C>A (p.Gln258Lys)

Gene: PIK3CD (phosphatidylinositol-4,5-bisphosphate 3-kinase catalytic subunit delta; plus strand). Cytogenetic location: 1p36.22.
Variant type: single nucleotide variant.
Coding change: c.772C>A on transcript NM_005026.5 (MANE Select); coding-DNA position 772, C replaced by A.
Protein change: p.Gln258Lys; replaces glutamine 258 with lysine.
Molecular consequence: missense variant.
Genome position (GRCh38, 1-based): chr1:9,716,611, C>A. VCF-style: chr1-9716611-C-A. GRCh37 (hg19) VCF-style: chr1-9776669-C-A.
Other names: c.772C>A, p.Gln258Lys (NM_001350234.2, NM_001350235.1, NM_001437546.1 and 3 more transcripts); short protein forms Q258K.
Identifiers: ClinVar variation 4974639 (VCV004974639.1).